The following is an entry in ClinVar:

ClinVar aggregate classification (germline): Uncertain significance (1 of 4 stars; one submission).

Submission:

Labcorp Genetics (formerly Invitae), Labcorp
Classification: Uncertain significance. Last evaluated: 2022-09-07. Review status: criteria provided, single submitter. Criteria: Invitae Variant Classification Sherloc (09022015). Collection method: clinical testing. Allele origin: germline.
Comment: This variant has not been reported in the literature in individuals affected with FERMT1-related conditions. This sequence change replaces lysine, which is basic and polar, with arginine, which is basic and polar, at codon 148 of the FERMT1 protein (p.Lys148Arg). This variant is not present in population databases (gnomAD no frequency). Algorithms developed to predict the effect of missense changes on protein structure and function (SIFT, PolyPhen-2, Align-GVGD) all suggest that this variant is likely to be tolerated. In summary, the available evidence is currently insufficient to determine the role of this variant in disease. Therefore, it has been classified as a Variant of Uncertain Significance.

NM_017671.5(FERMT1):c.443A>G (p.Lys148Arg)

Gene: FERMT1 (FERM domain containing kindlin 1; minus strand). Cytogenetic location: 20p12.3.
Variant type: single nucleotide variant.
Coding change: c.443A>G on transcript NM_017671.5 (MANE Select); coding-DNA position 443, A replaced by G.
Protein change: p.Lys148Arg; replaces lysine 148 with arginine.
Molecular consequence: missense variant.
Genome position (GRCh38, 1-based): chr20:6,112,566, T>C on the plus strand (A>G on the coding strand, the complement: FERMT1 is on the minus strand). VCF-style: chr20-6112566-T-C. GRCh37 (hg19) VCF-style: chr20-6093213-T-C.
Other names: short protein forms K148R.
Identifiers: ClinVar variation 1944697 (VCV001944697.5), dbSNP rs112168905, ClinGen allele CA311229895.